The following is an entry in ClinVar:

ClinVar aggregate classification (germline): Uncertain significance (1 of 4 stars; one submission).

Conditions:
Mosaic variegated aneuploidy syndrome 2 (MVA2). Identifiers: Orphanet 1052, MedGen C3279843, MONDO:0013582, OMIM 614114.

Allele frequency attached by ClinVar (database versions not stated): gnomAD exomes below 0.00001.
gnomAD v4.1: 1 of 1,612,434 alleles (0.000062%); highest among the groups gnomAD compares: Non-Finnish European, 0.000085%; no homozygotes.

Submission:

Labcorp Genetics (formerly Invitae), Labcorp
Classification: Uncertain significance for Mosaic variegated aneuploidy syndrome 2. Last evaluated: 2022-11-08. Review status: criteria provided, single submitter. Criteria: Invitae Variant Classification Sherloc (09022015). Collection method: clinical testing. Allele origin: germline.
Comment: In summary, the available evidence is currently insufficient to determine the role of this variant in disease. Therefore, it has been classified as a Variant of Uncertain Significance. Advanced modeling of protein sequence and biophysical properties (such as structural, functional, and spatial information, amino acid conservation, physicochemical variation, residue mobility, and thermodynamic stability) performed at Invitae indicates that this missense variant is not expected to disrupt CEP57 protein function. This variant has not been reported in the literature in individuals affected with CEP57-related conditions. This variant is not present in population databases (gnomAD no frequency). This sequence change replaces leucine, which is neutral and non-polar, with phenylalanine, which is neutral and non-polar, at codon 134 of the CEP57 protein (p.Leu134Phe).

NM_014679.5(CEP57):c.402A>C (p.Leu134Phe)

Gene: CEP57 (centrosomal protein 57; plus strand). Cytogenetic location: 11q21.
Variant type: single nucleotide variant.
Coding change: c.402A>C on transcript NM_014679.5 (MANE Select); coding-DNA position 402, A replaced by C.
Protein change: p.Leu134Phe; replaces leucine 134 with phenylalanine.
Molecular consequence: missense variant.
Genome position (GRCh38, 1-based): chr11:95,813,487, A>C. VCF-style: chr11-95813487-A-C. GRCh37 (hg19) VCF-style: chr11-95546651-A-C.
Other names: c.375A>C, p.Leu125Phe (NM_001243776.2); c.402A>C, p.Leu134Phe (NM_001243777.2); c.321A>C, p.Leu107Phe (NM_001363604.2); short protein forms L107F, L125F, L134F.
Identifiers: ClinVar variation 2812744 (VCV002812744.3), dbSNP rs2496226116, ClinGen allele CA382421688.
Genomic context (GRCh38, chr11:95,813,487, plus strand): 5'-TGGGTGAGTTGATTTCTGCTTTTCTTATGTATTCTTTTTAGAACTGACATCTCAGTTGTT[A>C]GCTGCAGAAAATAAATGCAATCTATTAGAAAAACAATTGGAATACATGCGAAATATGATA-3'
Protein context (NP_055494.2, residues 124-144): KHNQELTSQL[Leu134Phe]AAENKCNLLE